The following is an entry in ClinVar:

ClinVar aggregate classification (germline): Uncertain significance (1 of 4 stars; one submission).

Submission:

Women's Health and Genetics/Laboratory Corporation of America, LabCorp
Classification: Uncertain significance. Last evaluated: 2024-09-26. Review status: criteria provided, single submitter. Criteria: LabCorp Variant Classification Summary - May 2015. Collection method: clinical testing. Allele origin: germline.
Comment: Variant summary: IRF5 c.248C>T (p.Pro83Leu) results in a non-conservative amino acid change located in the DNA-binding domain (IPR001346) of the encoded protein sequence. Four of four in-silico tools predict a damaging effect of the variant on protein function. The variant allele was found at a frequency of 4e-06 in 250316 control chromosomes. The available data on variant occurrences in the general population are insufficient to allow any conclusion about variant significance. To our knowledge, no occurrence of c.248C>T in individuals affected with IRF5-Related Disorders and no experimental evidence demonstrating its impact on protein function have been reported. No submitters have cited clinical-significance assessments for this variant to ClinVar. Based on the evidence outlined above, the variant was classified as uncertain significance.

NM_001098629.3(IRF5):c.248C>T (p.Pro83Leu)

Gene: IRF5 (interferon regulatory factor 5; plus strand). Cytogenetic location: 7q32.1.
Variant type: single nucleotide variant.
Coding change: c.248C>T on transcript NM_001098629.3 (MANE Select); coding-DNA position 248, C replaced by T.
Protein change: p.Pro83Leu; replaces proline 83 with leucine.
Molecular consequence: missense variant.
Genome position (GRCh38, 1-based): chr7:128,945,897, C>T. VCF-style: chr7-128945897-C-T. GRCh37 (hg19) VCF-style: chr7-128585951-C-T.
Other names: c.248C>T, p.Pro83Leu (NM_001098627.4, NM_001098630.3, NM_001242452.3 and 3 more transcripts); short protein forms P83L.
Identifiers: ClinVar variation 3375187 (VCV003375187.1).